The following is an entry in ClinVar:

NM_000038.6(APC):c.4683G>T (p.Lys1561Asn)

Gene: APC (APC regulator of Wnt signaling pathway; plus strand). Cytogenetic location: 5q22.2.
Variant type: single nucleotide variant.
Coding change: c.4683G>T on transcript NM_000038.6 (MANE Select); coding-DNA position 4683, G replaced by T.
Protein change: p.Lys1561Asn; replaces lysine 1561 with asparagine.
Molecular consequence: missense variant.
Genome position (GRCh38, 1-based): chr5:112,840,277, G>T. VCF-style: chr5-112840277-G-T. GRCh37 (hg19) VCF-style: chr5-112175974-G-T.
Other names: c.4683G>T, p.Lys1561Asn (NM_001127510.3, NM_001354895.2); c.4629G>T, p.Lys1543Asn (NM_001127511.3); c.4737G>T, p.Lys1579Asn (NM_001354896.2); c.4713G>T, p.Lys1571Asn (NM_001354897.2); c.4608G>T, p.Lys1536Asn (NM_001354898.2); c.4599G>T, p.Lys1533Asn (NM_001354899.2); c.4560G>T, p.Lys1520Asn (NM_001354900.2); c.4506G>T, p.Lys1502Asn (NM_001354901.2); and 5 more; short protein forms K1561N, K1543N, K1278N, K1460N, K1533N, K1401N, K1435N, K1520N.
Identifiers: ClinVar variation 537447 (VCV000537447.16), dbSNP rs774900184, ClinGen allele CA16031599.
Genomic context (GRCh38, chr5:112,840,277, plus strand): 5'-GCCTAAAGAATCAAATGAAAACCAAGAGAAAGAGGCAGAAAAAACTATTGATTCTGAAAA[G>T]GACCTATTAGATGATTCAGATGATGATGATATTGAAATACTAGAAGAATGTATTATTTCT-3'
Protein context (NP_000029.2, residues 1551-1571): KEAEKTIDSE[Lys1561Asn]DLLDDSDDDD

ClinVar aggregate classification (germline): Uncertain significance. Review status: criteria provided, multiple submitters, no conflicts (2 of 4 stars). 3 submissions from 3 submitters: Uncertain significance (3). Last evaluated 2025-03-24.

Conditions:
Hereditary cancer-predisposing syndrome. Also called: Tumor predisposition; Hereditary Cancer Syndrome; Hereditary neoplastic syndrome; Neoplastic Syndromes, Hereditary. Identifiers: Orphanet 140162, MedGen C0027672, MeSH D009386, MONDO:0015356.
Familial adenomatous polyposis 1 (FAP1). Also called: FAMILIAL ADENOMATOUS POLYPOSIS 1, ATTENUATED; POLYPOSIS, ADENOMATOUS INTESTINAL. Identifiers: MedGen C2713442, MONDO:0021056, OMIM 175100. Disease mechanism: loss of function.

gnomAD v4.1: 2 of 1,614,088 alleles (0.00012%); highest among the groups gnomAD compares: Non-Finnish European, 0.00017%; no homozygotes.

Submissions (3):

Ambry Genetics
Classification: Uncertain significance for Hereditary cancer-predisposing syndrome. Last evaluated: 2025-03-24. Review status: criteria provided, single submitter. Criteria: Ambry Variant Classification Scheme 2023. Collection method: clinical testing. Allele origin: germline.
Comment: The p.K1561N variant (also known as c.4683G>T), located in coding exon 15 of the APC gene, results from a G to T substitution at nucleotide position 4683. The lysine at codon 1561 is replaced by asparagine, an amino acid with similar properties. This amino acid position is highly conserved in available vertebrate species. In addition, in silico predictors for this gene do not accurately predict pathogenicity. Missense alterations in APC are not a common cause of disease (Spier I et al. Genet Med. 2024 Feb;26(2):100992). Based on the available evidence, the clinical significance of this variant remains unclear.

GeneDx
Classification: Uncertain significance. Last evaluated: 2024-07-02. Review status: criteria provided, single submitter. Criteria: GeneDx Variant Classification Process June 2021. Collection method: clinical testing. Allele origin: germline. Affected: yes.
Comment: Not observed at significant frequency in large population cohorts (gnomAD); In silico analysis indicates that this missense variant does not alter protein structure/function; Has not been previously published as pathogenic or benign to our knowledge; This variant is associated with the following publications: (PMID: 18199528, 34162944)

Labcorp Genetics (formerly Invitae), Labcorp
Classification: Uncertain significance for Familial adenomatous polyposis 1. Last evaluated: 2024-04-10. Review status: criteria provided, single submitter. Criteria: Invitae Variant Classification Sherloc (09022015). Collection method: clinical testing. Allele origin: germline.
Comment: This sequence change replaces lysine, which is basic and polar, with asparagine, which is neutral and polar, at codon 1561 of the APC protein (p.Lys1561Asn). This variant is not present in population databases (gnomAD no frequency). This variant has not been reported in the literature in individuals affected with APC-related conditions. ClinVar contains an entry for this variant (Variation ID: 537447). Advanced modeling of protein sequence and biophysical properties (such as structural, functional, and spatial information, amino acid conservation, physicochemical variation, residue mobility, and thermodynamic stability) performed at Invitae indicates that this missense variant is not expected to disrupt APC protein function with a negative predictive value of 95%. In summary, the available evidence is currently insufficient to determine the role of this variant in disease. Therefore, it has been classified as a Variant of Uncertain Significance.